The following is an entry in ClinVar:

ClinVar aggregate classification (germline): Pathogenic (1 of 4 stars; one submission).

Submission:

GeneDx
Classification: Pathogenic. Last evaluated: 2016-07-06. Review status: criteria provided, single submitter. Criteria: GeneDx Variant Classification (06012015). Collection method: clinical testing. Allele origin: germline. Affected: yes.
Comment: The c.766-2 A>C splice site variant in the PAX6 gene destroys the canonical splice acceptor site in intron 9. It is predicted to cause abnormal gene splicing, either leading to an abnormal message that is subject to nonsense-mediated mRNA decay, or to an abnormal protein product if the message is used for protein translation. The c.766-2 A>C variant was not observed in approximately 6,500 individuals of European and African American ancestry in the NHLBI Exome Sequencing Project, indicating it is not a common benign variant in these populations.

NM_001368894.2(PAX6):c.808-2A>C

Gene: PAX6 (paired box 6; minus strand). Cytogenetic location: 11p13.
Variant type: single nucleotide variant.
Coding change: c.808-2A>C on transcript NM_001368894.2 (MANE Select); the canonical splice acceptor site of the intron before coding-DNA position 808, A replaced by C.
Molecular consequence: splice acceptor variant.
Genome position (GRCh38, 1-based): chr11:31,793,804, T>G on the plus strand (A>C on the coding strand, the complement: PAX6 is on the minus strand). VCF-style: chr11-31793804-T-G. GRCh37 (hg19) VCF-style: chr11-31815352-T-G.
Other names: c.766-2A>C (NM_001127612.3, NM_001368890.2, NM_001368888.2 and 10 more transcripts); c.607-2A>C (NM_001368921.2, NM_001368923.2, NM_001368926.2 and 4 more transcripts); c.808-2A>C (NM_001258462.3, NM_001310158.2, NM_001258463.2 and 6 more transcripts); c.883-2A>C (NM_001368919.2, NM_001368918.2); c.1009-2A>C (NM_001368910.2); c.358-2A>C (NM_001368909.2, NM_001368904.2, NM_001368905.2 and 11 more transcripts); c.811-2A>C (NM_001368911.2); c.565-2A>C (NM_001368928.2); and 2 more.
Identifiers: ClinVar variation 441115 (VCV000441115.4), dbSNP rs1554983251, ClinGen allele CA379956592.
Genomic context (GRCh38, chr11:31,793,804, plus strand): 5'-CTCTGATTCCTCAGTTTTTCTTCTCTTCTCCATTTGGCCCTTCGATTAGAAAACCATACC[T>G]GGAAATCAGGTGGGACAGGTTAGCACTGTGTCTACGTCGAGCCCAGCCCCACCTTGGCAC-3'